The following is an entry in ClinVar:

ClinVar aggregate classification (germline): Uncertain significance (1 of 4 stars; one submission).

Allele frequency attached by ClinVar (database versions not stated): gnomAD 0.00002; TOPMed 0.00002.
gnomAD v4.1: 3 of 1,609,676 alleles (0.00019%); highest among the groups gnomAD compares: Non-Finnish European, 0.00025%; no homozygotes.

Submission:

Ambry Genetics
Classification: Uncertain significance. Last evaluated: 2022-03-06. Review status: criteria provided, single submitter. Criteria: Ambry Variant Classification Scheme 2023. Collection method: clinical testing. Allele origin: germline.
Comment: The p.A125G variant (also known as c.374C>G), located in coding exon 3 of the POLQ gene, results from a C to G substitution at nucleotide position 374. The alanine at codon 125 is replaced by glycine, an amino acid with similar properties. This amino acid position is conserved. In addition, this alteration is predicted to be tolerated by in silico analysis. Since supporting evidence is limited at this time, the clinical significance of this alteration remains unclear.

NM_199420.4(POLQ):c.374C>G (p.Ala125Gly)

Gene: POLQ (DNA polymerase theta; minus strand). Cytogenetic location: 3q13.33.
Variant type: single nucleotide variant.
Coding change: c.374C>G on transcript NM_199420.4 (MANE Select); coding-DNA position 374, C replaced by G.
Protein change: p.Ala125Gly; replaces alanine 125 with glycine.
Molecular consequence: missense variant.
Genome position (GRCh38, 1-based): chr3:121,541,449, G>C on the plus strand (C>G on the coding strand, the complement: POLQ is on the minus strand). VCF-style: chr3-121541449-G-C. GRCh37 (hg19) VCF-style: chr3-121260296-G-C.
Other names: short protein forms A125G.
Identifiers: ClinVar variation 1734540 (VCV001734540.2), dbSNP rs902973589, ClinGen allele CA81836038.
Genomic context (GRCh38, chr3:121,541,449, plus strand): 5'-GGAAGAATAAACAAAGCTTTCTTCCGCATTTCCAAAACCCGCTTCAAAATAAGTAATTCT[G>C]CCACAAGAGTCTTCCCAGCACTTGTAGGAGCTAAAACATGATTATTCCACAAGATTATAA-3'
Protein context (NP_955452.3, residues 115-135): APTSAGKTLV[Ala125Gly]ELLILKRVLE